The following is an entry in ClinVar:

ClinVar aggregate classification (germline): Pathogenic/Likely pathogenic. Review status: criteria provided, multiple submitters, no conflicts (2 of 4 stars). 4 submissions from 4 submitters: Pathogenic (3); Likely pathogenic (1). Last evaluated 2026-09-03.

Conditions:
Cerebellar atrophy, visual impairment, and psychomotor retardation;. Also called: Cerebellar atrophy, visual impairment, and psychomotor retardation. Identifiers: MedGen C4225172, MONDO:0014811, OMIM 616875.
Inborn genetic diseases. Identifiers: MedGen C0950123, MeSH D030342.

Allele frequency attached by ClinVar (database versions not stated): TOPMed 0.00001; gnomAD 0.00001; gnomAD exomes 0.00001.
gnomAD v4.1: 19 of 1,611,684 alleles (0.0012%); highest among the groups gnomAD compares: Admixed American, 0.0034%; no homozygotes.

Submissions (4):

GeneDx
Classification: Likely pathogenic. Last evaluated: 2026-09-03. Review status: criteria provided, single submitter. Criteria: GeneDx Variant Classification Process June 2021. Collection method: clinical testing. Allele origin: germline.
Comment: Reported along with a second variant on the opposite allele (in trans) in a patient with psychomotor developmental delay (PMID: 35183220); Nonsense variant predicted to result in protein truncation or nonsense mediated decay in a gene for which loss of function is a known mechanism of disease; Not observed at significant frequency in large population cohorts (gnomAD); This variant is associated with the following publications: (PMID: 35183220)

Women's Health and Genetics/Laboratory Corporation of America, LabCorp
Classification: Pathogenic for Cerebellar atrophy, visual impairment, and psychomotor retardation;. Last evaluated: 2026-03-03. Review status: criteria provided, single submitter. Criteria: LabCorp Variant Classification Summary - May 2015. Collection method: clinical testing. Allele origin: germline.
Comment: Variant summary: EMC1 c.797T>G (p.Leu266X) results in a premature termination codon, predicted to cause absence of the protein due to nonsense mediated decay, which is a commonly known mechanism for disease. The variant allele was found at a frequency of 8e-06 in 249968 control chromosomes. c.797T>G has been observed in at-least one individual affected with Cerebellar Atrophy, Visual Impairment, And Psychomotor Retardation (examples, Alvarez-Mora_2022). To our knowledge, no experimental evidence demonstrating an impact on protein function has been reported. The following publication has been ascertained in the context of this evaluation (PMID: 35183220). ClinVar contains an entry for this variant (Variation ID: 1424185). Based on the evidence outlined above, the variant was classified as pathogenic.

Labcorp Genetics (formerly Invitae), Labcorp
Classification: Pathogenic. Last evaluated: 2025-12-01. Review status: criteria provided, single submitter. Criteria: Invitae Variant Classification Sherloc (09022015). Collection method: clinical testing. Allele origin: germline.
Comment: This sequence change creates a premature translational stop signal (p.Leu266*) in the EMC1 gene. It is expected to result in an absent or disrupted protein product. Loss-of-function variants in EMC1 are known to be pathogenic (PMID: 26572623, 26942288, 29271071). This variant is present in population databases (no rsID available, gnomAD no frequency). This variant has not been reported in the literature in individuals affected with EMC1-related conditions. ClinVar contains an entry for this variant (Variation ID: 1424185). For these reasons, this variant has been classified as Pathogenic.

Ambry Genetics
Classification: Pathogenic for Inborn genetic diseases. Last evaluated: 2024-07-10. Review status: criteria provided, single submitter. Criteria: Ambry Variant Classification Scheme 2023. Collection method: clinical testing. Allele origin: germline.
Comment: The c.797T>G (p.L266*) alteration, located in exon 8 (coding exon 8) of the EMC1 gene, consists of a T to G substitution at nucleotide position 797. This changes the amino acid from a leucine (L) to a stop codon at amino acid position 266. This alteration is expected to result in loss of function by premature protein truncation or nonsense-mediated mRNA decay. Based on data from gnomAD, the G allele has an overall frequency of 0.001% (3/281346) total alleles studied. This variant has been identified in trans with another EMC1 variant in an individual with psychomotor development delay (&Aacute;lvarez-Mora, 2022). Based on the available evidence, this alteration is classified as pathogenic.

Literature cited by the submitters: PubMed 35183220 (cited by Women's Health and Genetics/Laboratory Corporation of America, LabCorp and Ambry Genetics); PubMed 26572623 (cited by Labcorp Genetics (formerly Invitae), Labcorp); PubMed 26942288 (cited by Labcorp Genetics (formerly Invitae), Labcorp); PubMed 29271071 (cited by Labcorp Genetics (formerly Invitae), Labcorp).

NM_015047.3(EMC1):c.797T>G (p.Leu266Ter)

Genes: EMC1 (ER membrane protein complex subunit 1; minus strand), EMC1-AS1 (EMC1 antisense RNA 1; plus strand). Cytogenetic location: 1p36.13.
Variant type: single nucleotide variant.
Coding change: c.797T>G on transcript NM_015047.3 (MANE Select); coding-DNA position 797, T replaced by G.
Protein change: p.Leu266Ter; replaces leucine 266 with a stop codon.
Molecular consequence: nonsense.
Genome position (GRCh38, 1-based): chr1:19,239,975, A>C on the plus strand (T>G on the coding strand, the complement: EMC1 is on the minus strand). VCF-style: chr1-19239975-A-C. GRCh37 (hg19) VCF-style: chr1-19566469-A-C.
Other names: c.797T>G, p.Leu266Ter (NM_001271428.2, NM_001375820.1, NM_001375821.1 and 1 more transcripts); c.731T>G, p.Leu244Ter (NM_001271429.2); c.797T>G (NM_015047.1, NM_015047.2); short protein forms L244*, L266*.
Identifiers: ClinVar variation 1424185 (VCV001424185.10), dbSNP rs1277233450, ClinGen allele CA338768495.
Genomic context (GRCh38, chr1:19,239,975, plus strand): 5'-GCGTCCACTGGGTTGGGCTGGGTAGGCAGGACCCGGGGTTGGAATCCACTTCCAAATTCT[A>C]AGTCGAGAGACTGGAAGGCAAGAAGGAGGAGGATTATGGCTAACAGCTGACGACTCCCTG-3'